The following is an entry in ClinVar:

NM_031433.4(MFRP):c.1297T>C (p.Cys433Arg)

Genes: C1QTNF5 (C1q and TNF related 5; minus strand), MFRP (membrane frizzled-related protein; minus strand). Cytogenetic location: 11q23.3.
Variant type: single nucleotide variant.
Coding change: c.1297T>C on transcript NM_031433.4 (MANE Select); coding-DNA position 1297, T replaced by C.
Protein change: p.Cys433Arg; replaces cysteine 433 with arginine.
Molecular consequence: missense variant. On other transcripts: 5 prime UTR variant (1).
Genome position (GRCh38, 1-based): chr11:119,342,686, A>G on the plus strand (T>C on the coding strand, the complement: MFRP is on the minus strand). VCF-style: chr11-119342686-A-G. GRCh37 (hg19) VCF-style: chr11-119213396-A-G.
Other names: c.-1340T>C (NM_015645.5); short protein forms C433R.
Identifiers: ClinVar variation 1415636 (VCV001415636.7), dbSNP rs937108029, ClinGen allele CA229675450.
Genomic context (GRCh38, chr11:119,342,686, plus strand): 5'-TGTCATCGCTGCCATCGGTGCAGTCTCTCCACATGTCACACATCCACTGCACACCCTTAC[A>G]CCCTCCTGCCTGGCAGGAGAGCTCACTGGGCCCACAGGGGTCTGCAGGCACAAGGGGCAT-3'
Protein context (NP_113621.1, residues 423-443): PSELSCQAGG[Cys433Arg]KGVQWMCDMW

ClinVar aggregate classification (germline): Uncertain significance (1 of 4 stars; one submission).

Conditions:
Isolated microphthalmia 5. Also called: Posterior Microphthalmia with Retinitis Pigmentosa, Foveoschisis, and Optic Disc Drusen. Identifiers: Orphanet 251279, MedGen C1970236, MONDO:0012605, OMIM 611040.

Allele frequency attached by ClinVar (database versions not stated): TOPMed 0.00002; gnomAD exomes 0.00001; gnomAD 0.00001.
gnomAD v4.1: 21 of 1,612,902 alleles (0.0013%); highest among the groups gnomAD compares: Non-Finnish European, 0.0016%; no homozygotes.

Submission:

Labcorp Genetics (formerly Invitae), Labcorp
Classification: Uncertain significance for Isolated microphthalmia 5. Last evaluated: 2021-05-06. Review status: criteria provided, single submitter. Criteria: Invitae Variant Classification Sherloc (09022015). Collection method: clinical testing. Allele origin: germline.
Comment: In summary, the available evidence is currently insufficient to determine the role of this variant in disease. Therefore, it has been classified as a Variant of Uncertain Significance. Algorithms developed to predict the effect of missense changes on protein structure and function (SIFT, PolyPhen-2, Align-GVGD) all suggest that this variant is likely to be tolerated, but these predictions have not been confirmed by published functional studies and their clinical significance is uncertain. This variant has not been reported in the literature in individuals with MFRP-related conditions. This variant is not present in population databases (ExAC no frequency). This sequence change replaces cysteine with arginine at codon 433 of the MFRP protein (p.Cys433Arg). The cysteine residue is moderately conserved and there is a large physicochemical difference between cysteine and arginine.